The following is an entry in ClinVar:

ClinVar aggregate classification (germline): Uncertain significance (1 of 4 stars; one submission).

Conditions:
Emery-Dreifuss muscular dystrophy 5, autosomal dominant (EDMD5). Also called: EMERY-DREIFUSS MUSCULAR DYSTROPHY 5. Identifiers: Orphanet 261, MedGen C2751805, MONDO:0013072, OMIM 612999.

Submission:

Labcorp Genetics (formerly Invitae), Labcorp
Classification: Uncertain significance for Emery-Dreifuss muscular dystrophy 5, autosomal dominant. Last evaluated: 2022-10-08. Review status: criteria provided, single submitter. Criteria: Invitae Variant Classification Sherloc (09022015). Collection method: clinical testing. Allele origin: germline.
Comment: In summary, the available evidence is currently insufficient to determine the role of this variant in disease. Therefore, it has been classified as a Variant of Uncertain Significance. This variant has not been reported in the literature in individuals affected with SYNE2-related conditions. This variant is not present in population databases (gnomAD no frequency). This sequence change creates a premature translational stop signal (p.Pro4033Thrfs*18) in the SYNE2 gene. It is expected to result in an absent or disrupted protein product. However, the current clinical and genetic evidence is not sufficient to establish whether loss-of-function variants in SYNE2 cause disease.

NM_182914.3(SYNE2):c.12089_12096dup (p.Pro4033fs)

Gene: SYNE2 (spectrin repeat containing nuclear envelope protein 2; plus strand). Cytogenetic location: 14q23.2.
Variant type: Duplication.
Coding change: c.12089_12096dup on transcript NM_182914.3 (MANE Select); coding-DNA positions 12089 to 12096, 8 bases duplicated (ACAAGCTG; older notation c.12089_12096dupACAAGCTG).
Protein change: p.Pro4033fs; shifts the reading frame from proline 4033.
Molecular consequence: frameshift variant.
Genome position (GRCh38, 1-based): chr14:64,093,461-64,093,468, ACAAGCTG duplicated; duplicating any 8 consecutive bases within chr14:64,093,454-64,093,468 gives the same sequence; the c. name uses the placement nearest the transcript's 3' end. VCF-style (leftmost placement, unchanged base first): chr14-64093453-C-CCAAGCTGA. GRCh37 (hg19) VCF-style: chr14-64560171-C-CCAAGCTGA.
Other names: c.12089_12096dup, p.Pro4033fs (NM_015180.6); short protein forms P4033fs.
Identifiers: ClinVar variation 2125559 (VCV002125559.4), dbSNP rs2548785532, ClinGen allele CA2580088320.